The following is an entry in ClinVar:

NM_182931.3(KMT2E):c.1299A>G (p.Ile433Met)

Gene: KMT2E (lysine methyltransferase 2E (inactive); plus strand). Cytogenetic location: 7q22.3.
Variant type: single nucleotide variant.
Coding change: c.1299A>G on transcript NM_182931.3 (MANE Select); coding-DNA position 1299, A replaced by G.
Protein change: p.Ile433Met; replaces isoleucine 433 with methionine.
Molecular consequence: missense variant.
Genome position (GRCh38, 1-based): chr7:105,081,738, A>G. VCF-style: chr7-105081738-A-G. GRCh37 (hg19) VCF-style: chr7-104722185-A-G.
Other names: c.1299A>G, p.Ile433Met (NM_001410908.1, NM_018682.4); short protein forms I433M.
Identifiers: ClinVar variation 4690084 (VCV004690084.1).
Genomic context (GRCh38, chr7:105,081,738, plus strand): 5'-TAACTTTTAGGTGAGGCATGAAATTCAAGATGGAACCATACATCTTTATATTTATTCTAT[A>G]CACAGTATTCCAAAGGGAACTGAAATTACTATTGCCTTTGATTTTGACTATGGAAATTGG-3'
Protein context (NP_891847.1, residues 423-443): DGTIHLYIYS[Ile433Met]HSIPKGTEIT

ClinVar aggregate classification (germline): Uncertain significance (1 of 4 stars; one submission).

gnomAD v4.1: 1 of 1,553,026 alleles (0.000064%); no homozygotes.

Submission:

GeneDx
Classification: Uncertain significance. Last evaluated: 2025-07-29. Review status: criteria provided, single submitter. Criteria: GeneDx Variant Classification Process June 2021. Collection method: clinical testing. Allele origin: germline. Affected: yes.
Comment: Not observed at significant frequency in large population cohorts (gnomAD); In silico analysis suggests that this missense variant does not alter protein structure/function; Has not been previously published as pathogenic or benign to our knowledge